The following is an entry in ClinVar:

ClinVar aggregate classification (germline): Uncertain significance (1 of 4 stars; one submission).

Submission:

Labcorp Genetics (formerly Invitae), Labcorp
Classification: Uncertain significance. Last evaluated: 2025-01-06. Review status: criteria provided, single submitter. Criteria: Invitae Variant Classification Sherloc (09022015). Collection method: clinical testing. Allele origin: germline.
Comment: This sequence change replaces serine, which is neutral and polar, with arginine, which is basic and polar, at codon 88 of the RDH5 protein (p.Ser88Arg). This variant is not present in population databases (gnomAD no frequency). This variant has not been reported in the literature in individuals affected with RDH5-related conditions. ClinVar contains an entry for this variant (Variation ID: 1375216). Invitae Evidence Modeling of protein sequence and biophysical properties (such as structural, functional, and spatial information, amino acid conservation, physicochemical variation, residue mobility, and thermodynamic stability) has been performed for this missense variant. However, the output from this modeling did not meet the statistical confidence thresholds required to predict the impact of this variant on RDH5 protein function. In summary, the available evidence is currently insufficient to determine the role of this variant in disease. Therefore, it has been classified as a Variant of Uncertain Significance.

NM_002905.5(RDH5):c.264C>A (p.Ser88Arg)

Genes: BLOC1S1-RDH5 (BLOC1S1-RDH5 readthrough; plus strand), RDH5 (retinol dehydrogenase 5; plus strand). Cytogenetic location: 12q13.2.
Variant type: single nucleotide variant.
Coding change: c.264C>A on transcript NM_002905.5 (MANE Select); coding-DNA position 264, C replaced by A.
Protein change: p.Ser88Arg; replaces serine 88 with arginine.
Molecular consequence: missense variant.
Genome position (GRCh38, 1-based): chr12:55,721,448, C>A. VCF-style: chr12-55721448-C-A. GRCh37 (hg19) VCF-style: chr12-56115232-C-A.
Other names: c.264C>A, p.Ser88Arg (NM_001199771.3); short protein forms S88R.
Identifiers: ClinVar variation 1375216 (VCV001375216.6), dbSNP rs775251374, ClinGen allele CA385200274.